The following is an entry in ClinVar:

ClinVar aggregate classification (germline): Uncertain significance. Review status: criteria provided, multiple submitters, no conflicts (2 of 4 stars). 2 submissions from 2 submitters: Uncertain significance (2). Last evaluated 2025-02-19.

Conditions:
Inborn genetic diseases. Identifiers: MedGen C0950123, MeSH D030342.

Allele frequency attached by ClinVar (database versions not stated): gnomAD exomes below 0.00001; gnomAD 0.00003; TOPMed 0.00003.
gnomAD v4.1: 9 of 1,608,584 alleles (0.00056%); highest among the groups gnomAD compares: African/African-American, 0.012%; no homozygotes.

Submissions (2):

Ambry Genetics
Classification: Uncertain significance for Inborn genetic diseases. Last evaluated: 2025-02-19. Review status: criteria provided, single submitter. Criteria: Ambry Variant Classification Scheme 2023. Collection method: clinical testing. Allele origin: germline.

Labcorp Genetics (formerly Invitae), Labcorp
Classification: Uncertain significance. Last evaluated: 2022-04-06. Review status: criteria provided, single submitter. Criteria: Invitae Variant Classification Sherloc (09022015). Collection method: clinical testing. Allele origin: germline.
Comment: This sequence change replaces isoleucine, which is neutral and non-polar, with threonine, which is neutral and polar, at codon 490 of the SLC24A5 protein (p.Ile490Thr). This variant is present in population databases (no rsID available, gnomAD 0.01%). This variant has not been reported in the literature in individuals affected with SLC24A5-related conditions. Algorithms developed to predict the effect of missense changes on protein structure and function are either unavailable or do not agree on the potential impact of this missense change (SIFT: "Deleterious"; PolyPhen-2: "Benign"; Align-GVGD: "Class C0"). In summary, the available evidence is currently insufficient to determine the role of this variant in disease. Therefore, it has been classified as a Variant of Uncertain Significance.

NM_205850.3(SLC24A5):c.1469T>C (p.Ile490Thr)

Genes: MYEF2 (myelin expression factor 2; minus strand), SLC24A5 (solute carrier family 24 member 5; plus strand). Cytogenetic location: 15q21.1.
Variant type: single nucleotide variant.
Coding change: c.1469T>C on transcript NM_205850.3 (MANE Select); coding-DNA position 1469, T replaced by C.
Protein change: p.Ile490Thr; replaces isoleucine 490 with threonine.
Molecular consequence: missense variant. On other transcripts: 3 prime UTR variant (2).
Genome position (GRCh38, 1-based): chr15:48,142,317, T>C. VCF-style: chr15-48142317-T-C. GRCh37 (hg19) VCF-style: chr15-48434514-T-C.
Other names: c.*591A>G (NM_001301210.2, NM_016132.5); c.1469T>C (NM_205850.2); short protein forms I490T.
Identifiers: ClinVar variation 1923461 (VCV001923461.3), dbSNP rs1251138380, ClinGen allele CA392454659.
Genomic context (GRCh38, chr15:48,142,317, plus strand): 5'-TCTGCCTATTATCATACTTGGGGCTTGCTACATTATCAGTTCTATATGAACTTGGAATTA[T>C]TGGAAATAATAAAATAAGGGGCTGTGGAGGTTGATATTATTAATAGTGTTATGCAGAAAA-3'
Protein context (NP_995322.1, residues 480-500): TLSVLYELGI[Ile490Thr]GNNKIRGCGG